The following is an entry in ClinVar:

NM_005883.3(APC2):c.718-3C>A

Gene: APC2 (APC regulator of Wnt signaling pathway 2; plus strand). Cytogenetic location: 19p13.3.
Variant type: single nucleotide variant.
Coding change: c.718-3C>A on transcript NM_005883.3 (MANE Select); 3 bases into the intron before coding-DNA position 718, C replaced by A.
Molecular consequence: intron variant.
Genome position (GRCh38, 1-based): chr19:1,456,303, C>A. VCF-style: chr19-1456303-C-A. GRCh37 (hg19) VCF-style: chr19-1456302-C-A.
Other names: c.715-3C>A (NM_001351273.1).
Identifiers: ClinVar variation 5005949 (VCV005005949.2).
Genomic context (GRCh38, chr19:1,456,303, plus strand): 5'-ATCACGGGTGAGCAGACTGGGTGCTCTGGGACTGTACCCCCGACCCTGGTGCTCTCCCTG[C>A]AGGCCTTGCTGGCGGTGAAGTCGGTGCCGGTGGACGAGGACCCCGAGACAGAGGTCCCCA-3'

ClinVar aggregate classification (germline): Uncertain significance (1 of 4 stars; one submission).

Conditions:
Intellectual developmental disorder, autosomal recessive 74 (MRT74). Also called: Sotos syndrome 3. Identifiers: MedGen C4310684, MONDO:0014951, OMIM 617169.
Cortical dysplasia, complex, with other brain malformations 10. Identifiers: MedGen C5231458, MONDO:0032866, OMIM 618677.

gnomAD v4.1: 11 of 1,606,178 alleles (0.00068%); highest among the groups gnomAD compares: East Asian, 0.022%; no homozygotes.

Submission:

Juno Genomics, Hangzhou Juno Genomics, Inc
Classification: Uncertain significance for Cortical dysplasia, complex, with other brain malformations 10; Intellectual developmental disorder, autosomal recessive 74. Review status: criteria provided, single submitter. Criteria: ACMG Guidelines, 2015. Collection method: clinical testing. Allele origin: germline.
Comment: Absent from controls (or at extremely low frequency if recessive) in Genome Aggregation Database.;Multiple lines of computational evidence support a deleterious effect on the gene or gene product.